The following is an entry in ClinVar:

NM_182641.4(BPTF):c.6896T>C (p.Val2299Ala)

Gene: BPTF (bromodomain PHD finger transcription factor; plus strand). Cytogenetic location: 17q24.2.
Variant type: single nucleotide variant.
Coding change: c.6896T>C on transcript NM_182641.4 (MANE Select); coding-DNA position 6896, T replaced by C.
Protein change: p.Val2299Ala; replaces valine 2299 with alanine.
Molecular consequence: missense variant.
Genome position (GRCh38, 1-based): chr17:67,945,604, T>C. VCF-style: chr17-67945604-T-C. GRCh37 (hg19) VCF-style: chr17-65941720-T-C.
Other names: c.7274T>C, p.Val2425Ala (NM_004459.7); c.6896T>C (NM_182641.3); short protein forms V2425A, V2299A.
Identifiers: ClinVar variation 2722492 (VCV002722492.4), dbSNP rs146431435, ClinGen allele CA8726303.

ClinVar aggregate classification (germline): Uncertain significance. Review status: criteria provided, multiple submitters, no conflicts (2 of 4 stars). 2 submissions from 2 submitters: Uncertain significance (2). Last evaluated 2025-10-13.

Conditions:
Inborn genetic diseases. Identifiers: MedGen C0950123, MeSH D030342.

Allele frequency attached by ClinVar (database versions not stated): TOPMed 0.00007; ESP Exome Variant Server 0.00015; gnomAD 0.00008; ExAC 0.00002; gnomAD exomes 0.00001.
gnomAD v4.1: 28 of 1,612,788 alleles (0.0017%); highest among the groups gnomAD compares: African/African-American, 0.032%; no homozygotes.

Submissions (2):

Labcorp Genetics (formerly Invitae), Labcorp
Classification: Uncertain significance. Last evaluated: 2025-10-13. Review status: criteria provided, single submitter. Criteria: Invitae Variant Classification Sherloc (09022015). Collection method: clinical testing. Allele origin: germline.
Comment: This sequence change replaces valine, which is neutral and non-polar, with alanine, which is neutral and non-polar, at codon 2425 of the BPTF protein (p.Val2425Ala). This variant is present in population databases (rs146431435, gnomAD 0.03%). This variant has not been reported in the literature in individuals affected with BPTF-related conditions. ClinVar contains an entry for this variant (Variation ID: 2722492). An algorithm developed to predict the effect of missense changes on protein structure and function outputs the following: PolyPhen-2: "Benign". The alanine amino acid residue is found in multiple mammalian species, which suggests that this missense change does not adversely affect protein function. In summary, the available evidence is currently insufficient to determine the role of this variant in disease. Therefore, it has been classified as a Variant of Uncertain Significance.

Ambry Genetics
Classification: Uncertain significance for Inborn genetic diseases. Last evaluated: 2025-02-14. Review status: criteria provided, single submitter. Criteria: Ambry Variant Classification Scheme 2023. Collection method: clinical testing. Allele origin: germline.